The following is an entry in ClinVar:

ClinVar aggregate classification (germline): Pathogenic/Likely pathogenic. Review status: criteria provided, multiple submitters, no conflicts (2 of 4 stars). 4 submissions from 4 submitters: Pathogenic (3); Likely pathogenic (1). Last evaluated 2021-12-17.

Conditions:
CHD7-related disorder. Also called: CHD7-related condition.
CHARGE syndrome (CHARGE). Also called: Hittner Hirsch Kreh syndrome; Coloboma, heart anomaly, choanal atresia, retardation, genital and ear anomalies; CHARGE association; Hall-Hittner syndrome; CHARGE ASSOCIATION--COLOBOMA, HEART ANOMALY, CHOANAL ATRESIA, RETARDATION, GENITAL AND EAR ANOMALIES. Identifiers: Orphanet 138, MedGen C0265354, MONDO:0008965.

Submissions (4):

Blueprint Genetics
Classification: Pathogenic for CHD7-related disorders. Last evaluated: 2021-12-17. Review status: criteria provided, single submitter. Criteria: ACMG Guidelines, 2015. Collection method: clinical testing. Allele origin: germline. Affected: yes. Observed: 1 variant allele.

HudsonAlpha Institute for Biotechnology
Classification: Pathogenic. Last evaluated: 2020-09-23. Review status: criteria provided, single submitter. Criteria: ACMG Guidelines, 2015. Collection method: research. Allele origin: de novo. Affected: yes. Observed: 1 variant allele. Study: CSER-SouthSeq.
Comment: ACMG codes:PVS1, PS2, PM2

Labcorp Genetics (formerly Invitae), Labcorp
Classification: Pathogenic for CHARGE syndrome. Last evaluated: 2019-09-11. Review status: criteria provided, single submitter. Criteria: Invitae Variant Classification Sherloc (09022015). Collection method: clinical testing. Allele origin: germline.
Comment: This sequence change creates a premature translational stop signal (p.Tyr2601*) in the CHD7 gene. It is expected to result in an absent or disrupted protein product. For these reasons, this variant has been classified as Pathogenic. Loss-of-function variants in CHD7 are known to be pathogenic (PMID: 22461308, 25077900). Algorithms developed to predict the effect of sequence changes on RNA splicing suggest that this variant may create or strengthen a splice site, but this prediction has not been confirmed by published transcriptional studies. This nonsense change has been observed in individual(s) with CHARGE syndrome and/or congenital heart defects (PMID: 26785492, 28991257, 29300383, 18445044). In at least one individual the nonsense change was observed to be de novo. This variant is not present in population databases (ExAC no frequency).

Lifecell International Pvt. Ltd
Classification: Likely pathogenic for CHD7-related CHARGE syndrome. Review status: criteria provided, single submitter. Criteria: ACMG Guidelines, 2015. Collection method: clinical testing. Allele origin: germline. Inheritance: Autosomal dominant inheritance. Affected: yes. Observed: 1 heterozygote.
Comment: A Heterozygous Nonsense variant c.7803C>G in Exon 35 of the CHD7 gene that results in the amino acid substitution p.Tyr2601* was identified. The observed variant is novel in gnomAD exomes and genomes, respectively. The severity of the impact of this variant on the protein is high, based on the effect of the protein and REVEL score. Rare Exome Variant Ensemble Learner (REVEL) is an ensembl method for predicting the pathogenicity of missense variants based on a combination of scores from 13 individual tools: MutPred, FATHMM v2.3, VEST 3.0, PolyPhen-2, SIFT, PROVEAN, MutationAssessor, MutationTaster, LRT, GERP++, SiPhy, phyloP, and phastCons. The REVEL score for an individual missense variant can range from 0 to 1, with higher scores reflecting greater likelihood that the variant is disease-causing. ClinVar has also classified this variant as Pathogenic (Variant ID: 935187). The observed variant previously been reported in the patient affected with CHARGE syndrome (Nykamp K et. al 2017). Based on the above evidence this variant has been classified as Likely Pathogenic according to the ACMG guidelines.

Literature cited by the submitters: PubMed 22461308 (cited by Labcorp Genetics (formerly Invitae), Labcorp); PubMed 25077900 (cited by Labcorp Genetics (formerly Invitae), Labcorp); PubMed 26785492 (cited by Labcorp Genetics (formerly Invitae), Labcorp); PubMed 28991257 (cited by Labcorp Genetics (formerly Invitae), Labcorp); PubMed 29300383 (cited by Labcorp Genetics (formerly Invitae), Labcorp); PubMed 18445044 (cited by Labcorp Genetics (formerly Invitae), Labcorp).

NM_017780.4(CHD7):c.7803C>G (p.Tyr2601Ter)

Gene: CHD7 (chromodomain helicase DNA binding protein 7; plus strand). Cytogenetic location: 8q12.2.
Variant type: single nucleotide variant.
Coding change: c.7803C>G on transcript NM_017780.4 (MANE Select); coding-DNA position 7803, C replaced by G.
Protein change: p.Tyr2601Ter; replaces tyrosine 2601 with a stop codon.
Molecular consequence: nonsense. On other transcripts: intron variant (1).
Genome position (GRCh38, 1-based): chr8:60,861,098, C>G. VCF-style: chr8-60861098-C-G. GRCh37 (hg19) VCF-style: chr8-61773657-C-G.
Other names: c.1717-1131C>G (NM_001316690.1); short protein forms Y2601*.
Identifiers: ClinVar variation 935187 (VCV000935187.12), dbSNP rs1563669432, ClinGen allele CA371304733.